The following is an entry in ClinVar:

ClinVar aggregate classification (germline): Uncertain significance (1 of 4 stars; one submission).

Submission:

Ambry Genetics
Classification: Uncertain significance. Last evaluated: 2025-11-11. Review status: criteria provided, single submitter. Criteria: Ambry Variant Classification Scheme 2023. Collection method: clinical testing. Allele origin: germline.
Comment: The p.I485V variant (also known as c.1453A>G), located in coding exon 8 of the RNF43 gene, results from an A to G substitution at nucleotide position 1453. The isoleucine at codon 485 is replaced by valine, an amino acid with highly similar properties. This amino acid position is conserved. In addition, this alteration is predicted to be tolerated by in silico analysis. Based on the available evidence, the clinical significance of this variant remains unclear.

NM_017763.6(RNF43):c.1453A>G (p.Ile485Val)

Gene: RNF43 (ring finger protein 43; minus strand). Cytogenetic location: 17q22.
Variant type: single nucleotide variant.
Coding change: c.1453A>G on transcript NM_017763.6 (MANE Select); coding-DNA position 1453, A replaced by G.
Protein change: p.Ile485Val; replaces isoleucine 485 with valine.
Molecular consequence: missense variant.
Genome position (GRCh38, 1-based): chr17:58,358,323, T>C on the plus strand (A>G on the coding strand, the complement: RNF43 is on the minus strand). VCF-style: chr17-58358323-T-C. GRCh37 (hg19) VCF-style: chr17-56435684-T-C.
Other names: c.1453A>G, p.Ile485Val (NM_001305544.3, NM_001438820.1, NM_001438821.1 and 1 more transcripts); c.1072A>G, p.Ile358Val (NM_001305545.2, NM_001437987.1); short protein forms I485V, I358V.
Identifiers: ClinVar variation 4578991 (VCV004578991.1).